The following is an entry in ClinVar:

NM_001009944.3(PKD1):c.10750del (p.Gly3583_Val3584insTer)

Genes: PKD1-AS1 (PKD1 antisense RNA 1; plus strand), PKD1 (polycystin 1, transient receptor potential channel interacting; minus strand). Cytogenetic location: 16p13.3.
Variant type: Deletion.
Coding change: c.10750del on transcript NM_001009944.3 (MANE Select); coding-DNA position 10750, one base deleted (G; older notation c.10750delG).
Protein change: p.Gly3583_Val3584insTer.
Molecular consequence: nonsense.
Genome position (GRCh38, 1-based): chr16:2,093,882, C deleted on the plus strand (G on the coding strand, the reverse complement: PKD1 is on the minus strand). VCF-style (leftmost placement, unchanged base first): chr16-2093881-AC-A. GRCh37 (hg19) VCF-style: chr16-2143882-AC-A.
Other names: c.10747del, p.Gly3582_Val3583insTer (NM_000296.4).
Identifiers: ClinVar variation 4857291 (VCV004857291.1).

ClinVar aggregate classification (germline): Pathogenic (1 of 4 stars; one submission).

Conditions:
Polycystic kidney disease, adult type (PKD1). Also called: POLYCYSTIC KIDNEY DISEASE, ADULT, TYPE I; Polycystic Kidney Disease 1, Autosomal Dominant; Polycystic kidney disease 1; Polycystic kidney disease 1, severe; Polycystic Kidney, Autosomal Dominant; POLYCYSTIC KIDNEY DISEASE 1 WITH OR WITHOUT POLYCYSTIC LIVER DISEASE. Identifiers: MedGen C3149841, MONDO:0008263, OMIM 173900.

Submission:

MVZ Medizinische Genetik Mainz
Classification: Pathogenic for Polycystic kidney disease, adult type. Last evaluated: 2026-05-26. Review status: criteria provided, single submitter. Criteria: UK Practice Guidelines For Variant Classification V4 01 2020. Collection method: clinical testing. Allele origin: germline. Inheritance: Autosomal dominant inheritance. Affected: yes. Observed: 1 variant allele.
Comment: ACMG Criteria: PVS1,PM2_SUP,PP4